The following is an entry in ClinVar:

ClinVar aggregate classification (germline): Pathogenic (1 of 4 stars; one submission).

Conditions:
Hereditary factor VIII deficiency disease (HEMA). Also called: HEMOPHILIA, CLASSIC; AUTOSOMAL HEMOPHILIA A; Hemophilia A; Hemophilia A, congenital; HEM A; Factor 8 deficiency, congenital. Identifiers: Orphanet 98878, MedGen C0019069, MONDO:0010602, OMIM 306700.

Submission:

Myriad Genetics, Inc.
Classification: Pathogenic for Hereditary factor VIII deficiency disease. Last evaluated: 2025-05-02. Review status: criteria provided, single submitter. Criteria: Myriad Autosomal Dominant, Autosomal Recessive and X-Linked Classification Criteria (2023). Collection method: clinical testing. Allele origin: unknown.
Comment: NM_000132.3(F8):c.1492G>T(G498*) is a nonsense variant classified as pathogenic in the context of hemophilia A. G498* has been observed in a case with relevant disease (PMID: 35770352). Relevant functional assessments of this variant are not available in the literature. G498* has not been observed in referenced population frequency databases. In summary, NM_000132.3(F8):c.1492G>T(G498*) is a nonsense variant in a gene where loss of function is a known mechanism of disease, is predicted to disrupt protein function, and has been observed more frequently in cases with the relevant disease than in healthy populations. Please note: this variant was assessed in the context of healthy population screening.

Literature cited by the submitters: PubMed 35770352.

NM_000132.4(F8):c.1492G>T (p.Gly498Ter)

Gene: F8 (coagulation factor VIII; minus strand). Cytogenetic location: Xq28.
Variant type: single nucleotide variant.
Coding change: c.1492G>T on transcript NM_000132.4 (MANE Select); coding-DNA position 1492, G replaced by T.
Protein change: p.Gly498Ter; replaces glycine 498 with a stop codon.
Molecular consequence: nonsense.
Genome position (GRCh38, 1-based): chrX:154,961,120, C>A on the plus strand (G>T on the coding strand, the complement: F8 is on the minus strand). VCF-style: chrX-154961120-C-A. GRCh37 (hg19) VCF-style: chrX-154189395-C-A.
Other names: short protein forms G498*.
Identifiers: ClinVar variation 4081667 (VCV004081667.1).